The following is an entry in ClinVar:

NM_003494.4(DYSF):c.59_68del (p.Ser20fs)

Gene: DYSF (dysferlin; plus strand). Cytogenetic location: 2p13.2.
Variant type: Deletion.
Coding change: c.59_68del on transcript NM_003494.4 (MANE Plus Clinical); coding-DNA positions 59 to 68, 10 bases deleted (GCGATGCCTA; older notation c.59_68delGCGATGCCTA).
Protein change: p.Ser20fs; shifts the reading frame from serine 20.
Molecular consequence: frameshift variant.
Genome position (GRCh38, 1-based): chr2:71,454,057-71,454,066, GCGATGCCTA deleted; deleting any 10 consecutive bases within chr2:71,454,056-71,454,066 gives the same sequence; the c. name uses the placement nearest the transcript's 3' end. VCF-style (leftmost placement, unchanged base first): chr2-71454055-CAGCGATGCCT-C. GRCh37 (hg19) VCF-style: chr2-71681185-CAGCGATGCCT-C.
Other names: c.59_68del, p.Ser20fs (NM_001130976.2, NM_001130977.2, NM_001130978.2 and 3 more transcripts); short protein forms S20fs.
Identifiers: ClinVar variation 1451975 (VCV001451975.7), dbSNP rs1420619668, ClinGen allele CA892680701.

ClinVar aggregate classification (germline): Pathogenic (1 of 4 stars; one submission).

Conditions:
Neuromuscular disease caused by qualitative or quantitative defects of dysferlin. Also called: Dysferlinopathy; Qualitative or quantitative defects of dysferlin. Identifiers: Orphanet 207073, MedGen C2931687, MONDO:0016145.

Submission:

Labcorp Genetics (formerly Invitae), Labcorp
Classification: Pathogenic for Neuromuscular disease caused by qualitative or quantitative defects of dysferlin. Last evaluated: 2021-08-29. Review status: criteria provided, single submitter. Criteria: Invitae Variant Classification Sherloc (09022015). Collection method: clinical testing. Allele origin: germline.
Comment: This sequence change creates a premature translational stop signal (p.Ser20Thrfs*9) in the DYSF gene. It is expected to result in an absent or disrupted protein product. Loss-of-function variants in DYSF are known to be pathogenic (PMID: 17698709, 20301480). This variant is not present in population databases (ExAC no frequency). This variant has not been reported in the literature in individuals affected with DYSF-related conditions. For these reasons, this variant has been classified as Pathogenic.

Literature cited by the submitters: PubMed 17698709; PubMed 20301480.